The following is an entry in ClinVar:

ClinVar aggregate classification (germline): Pathogenic (1 of 4 stars; one submission).

Conditions:
Deficiency of galactokinase. Also called: GALACTOSEMIA II; Galactokinase deficiency with cataracts. Identifiers: Orphanet 352, Orphanet 79237, MedGen C0268155, MONDO:0009255, OMIM 230200.

Submission:

Myriad Genetics, Inc.
Classification: Pathogenic for Deficiency of galactokinase. Last evaluated: 2026-06-10. Review status: criteria provided, single submitter. Criteria: Myriad Autosomal Dominant, Autosomal Recessive and X-Linked Classification Criteria (2023). Collection method: clinical testing. Allele origin: unknown.
Comment: NM_000154.1(GALK1):c.158_159insA(P54Afs*27) is expected to be pathogenic in the context of galactokinase deficiency. This variant is predicted to lead to an abnormal or absent protein product due to the creation of a premature termination codon in GALK1, a gene where loss-of-function variants are known to be pathogenic. Please note: this variant was assessed in the context of healthy population screening.

NM_000154.2(GALK1):c.158_159insA (p.Pro54fs)

Gene: GALK1 (galactokinase 1; minus strand). Cytogenetic location: 17q25.1.
Variant type: Insertion.
Coding change: c.158_159insA on transcript NM_000154.2 (MANE Select); coding-DNA positions 158 to 159, A inserted.
Protein change: p.Pro54fs; shifts the reading frame from proline 54.
Molecular consequence: frameshift variant.
Genome position: GRCh38 VCF-style: chr17-75764978-C-CT. GRCh37 (hg19) VCF-style: chr17-73761059-C-CT.
Other names: c.158_159insA, p.Pro54fs (NM_001381985.1); short protein forms P54fs.
Identifiers: ClinVar variation 5016020 (VCV005016020.1).
Genomic context (GRCh38, chr17:75,764,978, plus strand): 5'-TCGGCGGCCGGGACAGGCGGCGGCGGGCTAGGGGCTCCCCGTGCAGCCCCTCACCATAGG[C>CT]AGCACCAGGCCCTGGTTGTAGTCCGTGTGTTCCCCGATGAGGTTGACGCGGCCCGGCGCT-3'